The following is an entry in ClinVar:

NM_004656.4(BAP1):c.79del (p.Val27fs)

Gene: BAP1 (BRCA1 associated deubiquitinase 1; minus strand). Cytogenetic location: 3p21.1.
Variant type: Deletion.
Coding change: c.79del on transcript NM_004656.4 (MANE Select); coding-DNA position 79, one base deleted (G; older notation c.79delG).
Protein change: p.Val27fs; shifts the reading frame from valine 27.
Molecular consequence: frameshift variant.
Genome position (GRCh38, 1-based): chr3:52,409,597, C deleted on the plus strand (G on the coding strand, the reverse complement: BAP1 is on the minus strand); the first of 5 consecutive C bases (chr3:52,409,597-52,409,601); deleting any one gives the same sequence. VCF-style (leftmost placement, unchanged base first): chr3-52409596-AC-A. GRCh37 (hg19) VCF-style: chr3-52443612-AC-A.
Other names: c.79delG (NM_004656.2); short protein forms V27fs.
Identifiers: ClinVar variation 945509 (VCV000945509.12), dbSNP rs397509413, ClinGen allele CA1139658129.

ClinVar aggregate classification (germline): Pathogenic. Review status: criteria provided, multiple submitters, no conflicts (2 of 4 stars). 4 submissions from 4 submitters: Pathogenic (3). 1 of the submissions does not count toward it. Last evaluated 2025-02-28.

Conditions:
BAP1-related tumor predisposition syndrome (TPDS1). Also called: BAP1 tumor predisposition syndrome; COMMON Syndrome; TUMOR PREDISPOSITION SYNDROME 1; Tumor susceptibility linked to germline BAP1 mutations. Identifiers: Orphanet 289539, MedGen C3280492, MONDO:0013692, OMIM 614327.
Melanoma, uveal, susceptibility to, 2 (UVM2). Also called: Melanoma, uveal 2. Identifiers: Orphanet 39044, MedGen C1847723, MONDO:0011696, OMIM 606661.
Hereditary cancer-predisposing syndrome. Also called: Neoplastic Syndromes, Hereditary; Hereditary Cancer Syndrome; Tumor predisposition; Hereditary neoplastic syndrome. Identifiers: Orphanet 140162, MedGen C0027672, MeSH D009386, MONDO:0015356.

Submissions (4):

Ambry Genetics
Classification: Pathogenic for Hereditary cancer-predisposing syndrome. Last evaluated: 2025-02-28. Review status: criteria provided, single submitter. Criteria: Ambry Variant Classification Scheme 2023. Collection method: clinical testing. Allele origin: germline.
Comment: The c.79delG pathogenic mutation, located in coding exon 3 of the BAP1 gene, results from a deletion of one nucleotide at nucleotide position 79, causing a translational frameshift with a predicted alternate stop codon (p.V27Cfs*45). This mutation has also been reported in the germline of a proband diagnosed with uveal melanoma (Ewens KG et al. BMC Cancer, 2018 Nov;18:1172). This variant is considered to be rare based on population cohorts in the Genome Aggregation Database (gnomAD). In addition to the clinical data presented in the literature, this alteration is expected to result in loss of function by premature protein truncation or nonsense-mediated mRNA decay. As such, this alteration is interpreted as a disease-causing mutation.

Clinical Genetics Laboratory, Skane University Hospital Lund
Classification: Pathogenic. Last evaluated: 2022-06-23. Review status: criteria provided, single submitter. Criteria: ACMG Guidelines, 2015. Collection method: clinical testing. Allele origin: germline. Affected: yes.

Labcorp Genetics (formerly Invitae), Labcorp
Classification: Pathogenic for BAP1-related tumor predisposition syndrome. Last evaluated: 2019-06-04. Review status: criteria provided, single submitter. Criteria: Invitae Variant Classification Sherloc (09022015). Collection method: clinical testing. Allele origin: germline.
Comment: For these reasons, this variant has been classified as Pathogenic. Loss-of-function variants in BAP1 are known to be pathogenic (PMID: 21874000, 23684012). This variant has been observed to segregate with mesothelioma in a family (PMID: 23032617) and has been observed in individuals with mesothelioma, melanocytic tumor, and uveal melanoma (PMID: 23032617, 30477459). This variant is not present in population databases (ExAC no frequency). This sequence change creates a premature translational stop signal (p.Val27Cysfs*45) in the BAP1 gene. It is expected to result in an absent or disrupted protein product.

OMIM
Classification: risk factor for MELANOMA, UVEAL, SUSCEPTIBILITY TO, 2. Last evaluated: 2022-08-04. Review status: no assertion criteria provided. Collection method: literature only. Allele origin: unknown. Not counted in ClinVar's aggregate classification.

Literature cited by the submitters: PubMed 23032617 (cited by Ambry Genetics and Labcorp Genetics (formerly Invitae), Labcorp); PubMed 30477459 (cited by Ambry Genetics and Labcorp Genetics (formerly Invitae), Labcorp); PubMed 21874000 (cited by Labcorp Genetics (formerly Invitae), Labcorp); PubMed 23684012 (cited by Labcorp Genetics (formerly Invitae), Labcorp); PubMed 32002398 (cited by OMIM).